The following is an entry in ClinVar:

ClinVar aggregate classification (germline): Uncertain significance (1 of 4 stars; one submission).

Conditions:
Atrioventricular septal defect 4 (AVSD4). Identifiers: MedGen C3280781, MONDO:0013747, OMIM 614430.

gnomAD v4.1: 2 of 1,498,662 alleles (0.00013%); highest among the groups gnomAD compares: Non-Finnish European, 0.00018%; no homozygotes.

Submission:

Labcorp Genetics (formerly Invitae), Labcorp
Classification: Uncertain significance for Atrioventricular septal defect 4. Last evaluated: 2024-11-15. Review status: criteria provided, single submitter. Criteria: Invitae Variant Classification Sherloc (09022015). Collection method: clinical testing. Allele origin: germline.
Comment: This sequence change replaces alanine, which is neutral and non-polar, with valine, which is neutral and non-polar, at codon 178 of the GATA4 protein (p.Ala178Val). This variant is not present in population databases (gnomAD no frequency). This variant has not been reported in the literature in individuals affected with GATA4-related conditions. ClinVar contains an entry for this variant (Variation ID: 1398141). Invitae Evidence Modeling of protein sequence and biophysical properties (such as structural, functional, and spatial information, amino acid conservation, physicochemical variation, residue mobility, and thermodynamic stability) indicates that this missense variant is not expected to disrupt GATA4 protein function with a negative predictive value of 95%. In summary, the available evidence is currently insufficient to determine the role of this variant in disease. Therefore, it has been classified as a Variant of Uncertain Significance.

NM_001308093.3(GATA4):c.533C>T (p.Ala178Val)

Gene: GATA4 (GATA binding protein 4). Cytogenetic location: 8p23.1.
Variant type: single nucleotide variant.
Coding change: c.533C>T on transcript NM_001308093.3 (MANE Select); coding-DNA position 533, C replaced by T.
Protein change: p.Ala178Val; replaces alanine 178 with valine.
Molecular consequence: missense variant. On other transcripts: intron variant (3).
Genome position (GRCh38, 1-based): chr8:11,708,845, C>T. VCF-style: chr8-11708845-C-T. GRCh37 (hg19) VCF-style: chr8-11566354-C-T.
Other names: c.533C>T, p.Ala178Val (NM_002052.5); c.-6+8067C>T (NM_001308094.2); c.-3+831C>T (NM_001374274.1); c.-3+4541C>T (NM_001374273.1); short protein forms A178V.
Identifiers: ClinVar variation 1398141 (VCV001398141.8), dbSNP rs1229035049, ClinGen allele CA370309828.